The following is an entry in ClinVar:

ClinVar aggregate classification (germline): Uncertain significance (1 of 4 stars; one submission).

Submission:

Labcorp Genetics (formerly Invitae), Labcorp
Classification: Uncertain significance. Last evaluated: 2022-06-23. Review status: criteria provided, single submitter. Criteria: Invitae Variant Classification Sherloc (09022015). Collection method: clinical testing. Allele origin: germline.
Comment: This sequence change replaces aspartic acid, which is acidic and polar, with asparagine, which is neutral and polar, at codon 343 of the CDH23 protein (p.Asp343Asn). This variant is not present in population databases (gnomAD no frequency). This variant has not been reported in the literature in individuals affected with CDH23-related conditions. Algorithms developed to predict the effect of missense changes on protein structure and function are either unavailable or do not agree on the potential impact of this missense change (SIFT: "Deleterious"; PolyPhen-2: "Not Available"; Align-GVGD: "Class C15"). In summary, the available evidence is currently insufficient to determine the role of this variant in disease. Therefore, it has been classified as a Variant of Uncertain Significance.

NM_022124.6(CDH23):c.1027G>A (p.Asp343Asn)

Gene: CDH23 (cadherin related 23; plus strand). Cytogenetic location: 10q22.1.
Variant type: single nucleotide variant.
Coding change: c.1027G>A on transcript NM_022124.6 (MANE Select); coding-DNA position 1027, G replaced by A.
Protein change: p.Asp343Asn; replaces aspartic acid 343 with asparagine.
Molecular consequence: missense variant.
Genome position (GRCh38, 1-based): chr10:71,617,286, G>A. VCF-style: chr10-71617286-G-A. GRCh37 (hg19) VCF-style: chr10-73377043-G-A.
Other names: c.1027G>A, p.Asp343Asn (NM_001171930.2, NM_001171931.2, NM_001171932.2 and 1 more transcripts); short protein forms D343N.
Identifiers: ClinVar variation 2414525 (VCV002414525.3), dbSNP rs2132519909, ClinGen allele CA377122308.